The following is an entry in ClinVar:

ClinVar aggregate classification (germline): Uncertain significance (1 of 4 stars; one submission).

Conditions:
Short-rib thoracic dysplasia 13 with or without polydactyly (SRTD13). Identifiers: Orphanet 474, MedGen C4225378, MONDO:0014577, OMIM 616300.

Allele frequency attached by ClinVar (database versions not stated): gnomAD exomes 0.00002.
gnomAD v4.1: 14 of 1,613,924 alleles (0.00087%); highest among the groups gnomAD compares: East Asian, 0.029%; no homozygotes.

Submission:

Labcorp Genetics (formerly Invitae), Labcorp
Classification: Uncertain significance for Short-rib thoracic dysplasia 13 with or without polydactyly. Last evaluated: 2022-04-16. Review status: criteria provided, single submitter. Criteria: Invitae Variant Classification Sherloc (09022015). Collection method: clinical testing. Allele origin: germline.
Comment: In summary, the available evidence is currently insufficient to determine the role of this variant in disease. Therefore, it has been classified as a Variant of Uncertain Significance. This sequence change replaces aspartic acid, which is acidic and polar, with asparagine, which is neutral and polar, at codon 942 of the CEP120 protein (p.Asp942Asn). This variant is not present in population databases (gnomAD no frequency). This variant has not been reported in the literature in individuals affected with CEP120-related conditions. Algorithms developed to predict the effect of missense changes on protein structure and function (SIFT, PolyPhen-2, Align-GVGD) all suggest that this variant is likely to be tolerated.

NM_001375405.1(CEP120):c.2824G>A (p.Asp942Asn)

Gene: CEP120 (centrosomal protein 120; minus strand). Cytogenetic location: 5q23.2.
Variant type: single nucleotide variant.
Coding change: c.2824G>A on transcript NM_001375405.1 (MANE Select); coding-DNA position 2824, G replaced by A.
Protein change: p.Asp942Asn; replaces aspartic acid 942 with asparagine.
Molecular consequence: missense variant. On other transcripts: 3 prime UTR variant (1), non-coding transcript variant (1).
Genome position (GRCh38, 1-based): chr5:123,346,656, C>T on the plus strand (G>A on the coding strand, the complement: CEP120 is on the minus strand). VCF-style: chr5-123346656-C-T. GRCh37 (hg19) VCF-style: chr5-122682350-C-T.
Other names: c.2746G>A, p.Asp916Asn (NM_001166226.2); c.2689G>A, p.Asp897Asn (NM_001375406.1); c.*93G>A (NM_001375407.1); c.2251G>A, p.Asp751Asn (NM_001375408.1, NM_001375409.1); c.2824G>A, p.Asp942Asn (NM_153223.4); short protein forms D751N, D916N, D897N, D942N.
Identifiers: ClinVar variation 2153194 (VCV002153194.4), dbSNP rs1580615500, ClinGen allele CA360893986.
Genomic context (GRCh38, chr5:123,346,656, plus strand): 5'-TATACACACCCGTTCTCATCAAAGTATCCCTTTCTTCTATCAGGCGAGTCAAATAATCAT[C>T]CAAACCTTCTTCCAATACACTGCCATGGGGGCCATCCTTTTTTCCACTTGCAATCTCTGT-3'
Protein context (NP_001362334.1, residues 932-952): PHGSVLEEGL[Asp942Asn]DYLTRLIEER